The following is an entry in ClinVar:

NM_001267550.2(TTN):c.97410T>G (p.Tyr32470Ter)

Genes: TTN (titin; minus strand), TTN-AS1 (TTN antisense RNA 1; plus strand). Cytogenetic location: 2q31.2.
Variant type: single nucleotide variant.
Coding change: c.97410T>G on transcript NM_001267550.2 (MANE Select); coding-DNA position 97410, T replaced by G.
Protein change: p.Tyr32470Ter; replaces tyrosine 32470 with a stop codon.
Molecular consequence: nonsense. On other transcripts: non-coding transcript variant (1).
Genome position (GRCh38, 1-based): chr2:178,542,346, A>C on the plus strand (T>G on the coding strand, the complement: TTN is on the minus strand). VCF-style: chr2-178542346-A-C. GRCh37 (hg19) VCF-style: chr2-179407073-A-C.
Other names: c.92487T>G, p.Tyr30829Ter (NM_001256850.1); c.70215T>G, p.Tyr23405Ter (NM_003319.4); c.89706T>G, p.Tyr29902Ter (NM_133378.4); c.70590T>G, p.Tyr23530Ter (NM_133432.3); c.70791T>G, p.Tyr23597Ter (NM_133437.4); short protein forms Y23405*, Y23530*, Y23597*, Y29902*, Y30829*, Y32470*.
Identifiers: ClinVar variation 4293724 (VCV004293724.1).

ClinVar aggregate classification (germline): Likely pathogenic (1 of 4 stars; one submission).

Conditions:
Dilated cardiomyopathy 1G (CMD1G). Identifiers: Orphanet 154, MedGen C1858763, MONDO:0011400, OMIM 604145.

Submission:

3billion
Classification: Likely pathogenic for Dilated cardiomyopathy 1G. Last evaluated: 2025-01-06. Review status: criteria provided, single submitter. Criteria: ACMG Guidelines, 2015. Collection method: clinical testing. Allele origin: germline. Affected: yes.
Comment: The variant is not observed in the gnomAD v4.1.0 dataset. Predicted Consequence/Location: Stop-gained (nonsense): predicted to result in a loss or disruption of normal protein function through nonsense-mediated decay (NMD) or protein truncation. Multiple pathogenic variants are reported downstream of the variant. Therefore, this variant is classified as Likely pathogenic according to the recommendation of ACMG/AMP guideline.